The following is an entry in ClinVar:

ClinVar aggregate classification (germline): Uncertain significance. Review status: criteria provided, multiple submitters, no conflicts (2 of 4 stars). 2 submissions from 2 submitters: Uncertain significance (2). Last evaluated 2025-04-08.

Conditions:
DOCK2 deficiency. Also called: Immunodeficiency 40. Identifiers: Orphanet 447737, MedGen C4225328, MONDO:0014637, OMIM 616433.
Inborn genetic diseases. Identifiers: MedGen C0950123, MeSH D030342.

Allele frequency attached by ClinVar (database versions not stated): ExAC 0.00004; TOPMed 0.00007; gnomAD exomes 0.00004.
gnomAD v4.1: 66 of 1,613,864 alleles (0.0041%); highest among the groups gnomAD compares: Middle Eastern, 0.016%; no homozygotes.

Submissions (2):

Ambry Genetics
Classification: Uncertain significance for Inborn genetic diseases. Last evaluated: 2025-04-08. Review status: criteria provided, single submitter. Criteria: Ambry Variant Classification Scheme 2023. Collection method: clinical testing. Allele origin: germline.

Labcorp Genetics (formerly Invitae), Labcorp
Classification: Uncertain significance for DOCK2 deficiency. Last evaluated: 2022-08-19. Review status: criteria provided, single submitter. Criteria: Invitae Variant Classification Sherloc (09022015). Collection method: clinical testing. Allele origin: germline.
Comment: This sequence change replaces arginine, which is basic and polar, with tryptophan, which is neutral and slightly polar, at codon 1064 of the DOCK2 protein (p.Arg1064Trp). This variant is present in population databases (rs772417044, gnomAD 0.007%). This variant has not been reported in the literature in individuals affected with DOCK2-related conditions. ClinVar contains an entry for this variant (Variation ID: 961604). Algorithms developed to predict the effect of missense changes on protein structure and function are either unavailable or do not agree on the potential impact of this missense change (SIFT: "Deleterious"; PolyPhen-2: "Possibly Damaging"; Align-GVGD: "Class C0"). In summary, the available evidence is currently insufficient to determine the role of this variant in disease. Therefore, it has been classified as a Variant of Uncertain Significance.

NM_004946.3(DOCK2):c.3190C>T (p.Arg1064Trp)

Gene: DOCK2 (dedicator of cytokinesis 2; plus strand). Cytogenetic location: 5q35.1.
Variant type: single nucleotide variant.
Coding change: c.3190C>T on transcript NM_004946.3 (MANE Select); coding-DNA position 3190, C replaced by T.
Protein change: p.Arg1064Trp; replaces arginine 1064 with tryptophan.
Molecular consequence: missense variant. On other transcripts: non-coding transcript variant (1).
Genome position (GRCh38, 1-based): chr5:170,008,704, C>T. VCF-style: chr5-170008704-C-T. GRCh37 (hg19) VCF-style: chr5-169435708-C-T.
Other names: short protein forms R1064W.
Identifiers: ClinVar variation 961604 (VCV000961604.10), dbSNP rs772417044, ClinGen allele CA3554135.